The following is an entry in ClinVar:

NM_000322.5(PRPH2):c.227C>A (p.Ser76Ter)

Gene: PRPH2 (peripherin 2; minus strand). Cytogenetic location: 6p21.1.
Variant type: single nucleotide variant.
Coding change: c.227C>A on transcript NM_000322.5 (MANE Select); coding-DNA position 227, C replaced by A.
Protein change: p.Ser76Ter; replaces serine 76 with a stop codon.
Molecular consequence: nonsense.
Genome position (GRCh38, 1-based): chr6:42,722,108, G>T on the plus strand (C>A on the coding strand, the complement: PRPH2 is on the minus strand). VCF-style: chr6-42722108-G-T. GRCh37 (hg19) VCF-style: chr6-42689846-G-T.
Other names: short protein forms S76*.
Identifiers: ClinVar variation 802215 (VCV000802215.5), dbSNP rs1203908646, ClinGen allele CA364138254.

ClinVar aggregate classification (germline): Pathogenic. Review status: criteria provided, multiple submitters, no conflicts (2 of 4 stars). 2 submissions from 2 submitters: Pathogenic (2). Last evaluated 2024-04-06.

Conditions:
PRPH2-related disorder. Also called: PRPH2-related condition; PRPH2-related disorders. Identifiers: MedGen CN239395.
Patterned macular dystrophy 1. Also called: MACULAR DYSTROPHY, BUTTERFLY-SHAPED PIGMENTARY; BUTTERFLY DYSTROPHY OF RETINAL PIGMENT EPITHELIUM. Identifiers: Orphanet 99001, MedGen C4551999, MONDO:0008210, OMIM 169150.

gnomAD v4.1: 1 of 1,614,134 alleles (0.000062%); highest among the groups gnomAD compares: Non-Finnish European, 0.000085%; no homozygotes.

Submissions (2):

Labcorp Genetics (formerly Invitae), Labcorp
Classification: Pathogenic for PRPH2-related disorder. Last evaluated: 2024-04-06. Review status: criteria provided, single submitter. Criteria: Invitae Variant Classification Sherloc (09022015). Collection method: clinical testing. Allele origin: germline.
Comment: This sequence change creates a premature translational stop signal (p.Ser76*) in the PRPH2 gene. It is expected to result in an absent or disrupted protein product. Loss-of-function variants in PRPH2 are known to be pathogenic (PMID: 8111389, 8485575, 8485576, 8675410, 16916875, 17504850, 22863181, 25675413, 26061163, 27365499, 29555955, 33546218). This variant is not present in population databases (gnomAD no frequency). This variant has not been reported in the literature in individuals affected with PRPH2-related conditions. ClinVar contains an entry for this variant (Variation ID: 802215). For these reasons, this variant has been classified as Pathogenic.

Mendelics
Classification: Pathogenic for Patterned macular dystrophy 1. Last evaluated: 2019-05-28. Review status: criteria provided, single submitter. Criteria: Mendelics Assertion Criteria 2017. Collection method: clinical testing. Allele origin: unknown.

Literature cited by the submitters: PubMed 8111389 (cited by Labcorp Genetics (formerly Invitae), Labcorp); PubMed 8485575 (cited by Labcorp Genetics (formerly Invitae), Labcorp); PubMed 8485576 (cited by Labcorp Genetics (formerly Invitae), Labcorp); PubMed 8675410 (cited by Labcorp Genetics (formerly Invitae), Labcorp); PubMed 16916875 (cited by Labcorp Genetics (formerly Invitae), Labcorp); PubMed 17504850 (cited by Labcorp Genetics (formerly Invitae), Labcorp); PubMed 22863181 (cited by Labcorp Genetics (formerly Invitae), Labcorp); PubMed 25675413 (cited by Labcorp Genetics (formerly Invitae), Labcorp); PubMed 26061163 (cited by Labcorp Genetics (formerly Invitae), Labcorp); PubMed 27365499 (cited by Labcorp Genetics (formerly Invitae), Labcorp); PubMed 29555955 (cited by Labcorp Genetics (formerly Invitae), Labcorp); PubMed 33546218 (cited by Labcorp Genetics (formerly Invitae), Labcorp).